The following is an entry in ClinVar:

NM_000545.8(HNF1A):c.716C>T (p.Ala239Val)

Gene: HNF1A (HNF1 homeobox A; plus strand). Cytogenetic location: 12q24.31.
Variant type: single nucleotide variant.
Coding change: c.716C>T on transcript NM_000545.8 (MANE Select); coding-DNA position 716, C replaced by T.
Protein change: p.Ala239Val; replaces alanine 239 with valine.
Molecular consequence: missense variant.
Genome position (GRCh38, 1-based): chr12:120,994,166, C>T. VCF-style: chr12-120994166-C-T. GRCh37 (hg19) VCF-style: chr12-121431969-C-T.
Other names: c.716C>T, p.Ala239Val (NM_001306179.2); short protein forms A239V.
Identifiers: ClinVar variation 134510 (VCV000134510.21), dbSNP rs587778397, ClinGen allele CA160016.

ClinVar aggregate classification (germline): Conflicting classifications of pathogenicity. Review status: criteria provided, conflicting classifications (1 of 4 stars). 10 submissions from 10 submitters: Uncertain significance (6); Likely benign (2). 2 of the submissions do not count toward it. Last evaluated 2025-10-27.

Conditions:
Diabetes mellitus type 1 (T1D). Also called: Type I diabetes mellitus; Diabetes Mellitus, Juvenile-Onset. Identifiers: MedGen C0011854, MONDO:0005147, OMIM 222100, HP:0100651.
Maturity-onset diabetes of the young type 3. Also called: MODY type 3; MODY, type III. Identifiers: Orphanet 552, MedGen C1838100, MeSH C563933, MONDO:0010894, OMIM 600496. Disease mechanism: loss of function.
Type 1 diabetes mellitus 20 (T1D20). Also called: Diabetes mellitus, insulin-dependent, 20. Identifiers: MedGen C2675866, MONDO:0012919, OMIM 612520.
Type 2 diabetes mellitus. Also called: Type II diabetes mellitus. Identifiers: MedGen C0011860, MeSH D003924, MONDO:0005148, OMIM 125853, HP:0005978.
Hepatic adenomas, familial. Also called: LIVER CELL ADENOMAS, FAMILIAL; HEPATIC ADENOMA, SOMATIC. Identifiers: MedGen C1840646, MONDO:0007718, OMIM 142330.
Nonpapillary renal cell carcinoma. Identifiers: Orphanet 422526, MedGen CN074294, MONDO:0007763, OMIM 144700.
Maturity-onset diabetes of the young (MODY). Also called: Maturity onset diabetes mellitus in young. Identifiers: Orphanet 552, MedGen C0342276, MONDO:0018911, HP:0004904.

Allele frequency attached by ClinVar (database versions not stated): gnomAD exomes 0.00006 and 0.00019; ExAC 0.00010; gnomAD 0.00016; TOPMed 0.00022.

Submissions (10):

Labcorp Genetics (formerly Invitae), Labcorp
Classification: Likely benign. Last evaluated: 2025-10-27. Review status: criteria provided, single submitter. Criteria: Invitae Variant Classification Sherloc (09022015). Collection method: clinical testing. Allele origin: germline.

GeneDx
Classification: Uncertain significance. Last evaluated: 2025-10-09. Review status: criteria provided, single submitter. Criteria: GeneDx Variant Classification Process June 2021. Collection method: clinical testing. Allele origin: germline. Affected: yes.
Comment: In silico analysis supports that this missense variant has a deleterious effect on protein structure/function; This variant is associated with the following publications: (PMID: 25525159, 12488961, 24728327, 26556299, 34426522, 36703223, 32041611, 36613572, 35328643, 35673428, 36407475, 28395978, 40338033, SagsakE2022)

Genomic Medicine Center of Excellence, King Faisal Specialist Hospital and Research Centre
Classification: Uncertain significance for Maturity-onset diabetes of the young type 3. Last evaluated: 2024-12-18. Review status: criteria provided, single submitter. Criteria: ACMG Guidelines, 2015. Collection method: clinical testing. Allele origin: germline.

Women's Health and Genetics/Laboratory Corporation of America, LabCorp
Classification: Likely benign. Last evaluated: 2024-08-20. Review status: criteria provided, single submitter. Criteria: LabCorp Variant Classification Summary - May 2015. Collection method: clinical testing. Allele origin: germline.
Comment: Variant summary: HNF1A c.716C>T (p.Ala239Val) results in a non-conservative amino acid change located in the Homeodomain (IPR001356) of the encoded protein sequence. Five of five in-silico tools predict a damaging effect of the variant on protein function. The variant allele was found at a frequency of 0.00019 in 246990 control chromosomes. The observed variant frequency is approximately 7 fold of the estimated maximal expected allele frequency for a pathogenic variant in HNF1A causing Maturity Onset Diabetes Of The Young 3 phenotype (2.5e-05). c.716C>T has been reported in the literature in individuals affected with Maturity Onset Diabetes Of The Young 3 (Karaca_2017). These data do not allow any conclusion about variant significance. At least one publication reports experimental evidence evaluating an impact on protein function, however, does not allow convincing conclusions about the variant effect (Tonooka_2002). The following publications have been ascertained in the context of this evaluation (PMID: 17924661, 36703223, 28395978, 12488961). ClinVar contains an entry for this variant (Variation ID: 134510). Based on the evidence outlined above, the variant was classified as likely benign.

Fulgent Genetics
Classification: Uncertain significance for Type 2 diabetes mellitus; Hepatic adenomas, familial; Nonpapillary renal cell carcinoma; Diabetes mellitus type 1; Maturity-onset diabetes of the young type 3; Type 1 diabetes mellitus 20. Last evaluated: 2024-05-21. Review status: criteria provided, single submitter. Criteria: ACMG Guidelines, 2015. Collection method: clinical testing. Allele origin: germline.

Dubai Health Genomic Medicine Center, Dubai Health
Classification: Uncertain significance. Last evaluated: 2022-12-17. Review status: criteria provided, single submitter. Criteria: ACMG Guidelines, 2015. Collection method: clinical testing. Allele origin: germline. Affected: yes.

Mendelics
Classification: Uncertain significance for Maturity-onset diabetes of the young type 3. Last evaluated: 2019-05-28. Review status: criteria provided, single submitter. Criteria: Mendelics Assertion Criteria 2017. Collection method: clinical testing. Allele origin: unknown.

Laboratory for Molecular Medicine, Mass General Brigham Personalized Medicine
Classification: Uncertain significance. Last evaluated: 2016-10-27. Review status: criteria provided, single submitter. Criteria: LMM Criteria. Collection method: clinical testing. Allele origin: germline.
Comment: Variant identified in a genome or exome case(s) and assessed due to predicted null impact of the variant or pathogenic assertions in the literature or databases. Disclaimer: This variant has not undergone full assessment. The following are preliminary notes: This variant is classified in HGMD as DM and has been reported in 1 patient with diabetes and one healthy patient. This variant is present in ClinVar with no interpretation (Submission by ITMI). The Max MAF in ExAC is 0.035%.

ITMI
No classification provided. Condition: AllHighlyPenetrant. Last evaluated: 2013-09-19. Review status: no classification provided. Collection method: reference population. Allele origin: germline. Not counted in ClinVar's aggregate classification.
Comment: Please see associated publication for description of ethnicities

Clinical Genomics, Uppaluri K&H Personalized Medicine Clinic
Classification: Likely risk allele for Maturity-onset diabetes of the young. Review status: flagged submission. Criteria: K & H Uppaluri Personalized Medicine Clinic Variant Classification & Assertion Criteria_Updated V.1. Collection method: research. Allele origin: unknown. Inheritance: Autosomal dominant inheritance. Not counted in ClinVar's aggregate classification.
Comment: Mutations in HNF1A gene can predispose to MODY3. It is associated with both micro and macrovascular complications of diabetes, especially cardiovascular complications. Associated with glucosuria. May respond well to sulfonylureas. However, more evidence is required to confer the association of this particular variant rs587778397 with MODY3.
ClinVar note: Reason: Outlier claim with insufficient supporting evidence

Literature cited by the submitters: PubMed 12488961 (cited by Women's Health and Genetics/Laboratory Corporation of America, LabCorp); PubMed 17924661 (cited by Women's Health and Genetics/Laboratory Corporation of America, LabCorp); PubMed 36703223 (cited by Women's Health and Genetics/Laboratory Corporation of America, LabCorp); PubMed 28395978 (cited by Women's Health and Genetics/Laboratory Corporation of America, LabCorp); PubMed 24728327 (cited by ITMI); PubMed 31517624 (cited by Clinical Genomics, Uppaluri K&H Personalized Medicine Clinic); PubMed 32395877 (cited by Clinical Genomics, Uppaluri K&H Personalized Medicine Clinic); PubMed 35328643 (cited by Clinical Genomics, Uppaluri K&H Personalized Medicine Clinic); PubMed 35673428 (cited by Clinical Genomics, Uppaluri K&H Personalized Medicine Clinic).